The following is an entry in ClinVar:

NM_199242.3(UNC13D):c.1519C>T (p.Arg507Cys)

Gene: UNC13D (unc-13 homolog D; minus strand). Cytogenetic location: 17q25.1.
Variant type: single nucleotide variant.
Coding change: c.1519C>T on transcript NM_199242.3 (MANE Select); coding-DNA position 1519, C replaced by T.
Protein change: p.Arg507Cys; replaces arginine 507 with cysteine.
Molecular consequence: missense variant.
Genome position (GRCh38, 1-based): chr17:75,836,037, G>A on the plus strand (C>T on the coding strand, the complement: UNC13D is on the minus strand). VCF-style: chr17-75836037-G-A. GRCh37 (hg19) VCF-style: chr17-73832118-G-A.
Other names: short protein forms R507C.
Identifiers: ClinVar variation 1479969 (VCV001479969.4), dbSNP rs746549838, ClinGen allele CA8772950.
Genomic context (GRCh38, chr17:75,836,037, plus strand): 5'-TGCCCCACTACCTCCCGACCTGGCTATCTGCTCACTTGTGGAAGATCTTGTCCCATGTGC[G>A]CTGGCACTGGTGCAGGTCGCCAATGACATCCTGTACCAGGCCCAGCAAGGCCTTGCCTGC-3'
Protein context (NP_954712.1, residues 497-517): DVIGDLHQCQ[Arg507Cys]TWDKIFHNTL

ClinVar aggregate classification (germline): Uncertain significance (1 of 4 stars; one submission).

Conditions:
Familial hemophagocytic lymphohistiocytosis 3 (FHL3). Also called: UNC13D-Related Familial Hemophagocytic Lymphohistiocytosis (UNC13D-fHLH). Identifiers: Orphanet 540, MedGen C1837174, MONDO:0012146, OMIM 608898.

Allele frequency attached by ClinVar (database versions not stated): TOPMed 0.00001; gnomAD 0.00003 and 0.00001.
gnomAD v4.1: 48 of 1,613,852 alleles (0.003%); highest among the groups gnomAD compares: South Asian, 0.023%; 1 homozygote.

Submission:

Labcorp Genetics (formerly Invitae), Labcorp
Classification: Uncertain significance for Familial hemophagocytic lymphohistiocytosis 3. Last evaluated: 2026-01-01. Review status: criteria provided, single submitter. Criteria: Invitae Variant Classification Sherloc (09022015). Collection method: clinical testing. Allele origin: germline.
Comment: This sequence change replaces arginine, which is basic and polar, with cysteine, which is neutral and slightly polar, at codon 507 of the UNC13D protein (p.Arg507Cys). This variant is present in population databases (rs746549838, gnomAD 0.01%), including at least one homozygous and/or hemizygous individual. This variant has not been reported in the literature in individuals affected with UNC13D-related conditions. ClinVar contains an entry for this variant (Variation ID: 1479969). Invitae Evidence Modeling of protein sequence and biophysical properties (such as structural, functional, and spatial information, amino acid conservation, physicochemical variation, residue mobility, and thermodynamic stability) indicates that this missense variant is not expected to disrupt UNC13D protein function with a negative predictive value of 80%. In summary, the available evidence is currently insufficient to determine the role of this variant in disease. Therefore, it has been classified as a Variant of Uncertain Significance.